The following is an entry in ClinVar:

NM_001365536.1(SCN9A):c.4421T>C (p.Met1474Thr)

Genes: SCN1A-AS1 (SCN1A and SCN9A antisense RNA 1; plus strand), SCN9A (sodium voltage-gated channel alpha subunit 9; minus strand). Cytogenetic location: 2q24.3.
Variant type: single nucleotide variant.
Coding change: c.4421T>C on transcript NM_001365536.1 (MANE Select); coding-DNA position 4421, T replaced by C.
Protein change: p.Met1474Thr; replaces methionine 1474 with threonine.
Molecular consequence: missense variant.
Genome position (GRCh38, 1-based): chr2:166,204,442, A>G on the plus strand (T>C on the coding strand, the complement: SCN9A is on the minus strand). VCF-style: chr2-166204442-A-G. GRCh37 (hg19) VCF-style: chr2-167060952-A-G.
Other names: c.4388T>C, p.Met1463Thr (NM_002977.4); short protein forms M1463T, M1474T.
Identifiers: ClinVar variation 4783350 (VCV004783350.1).

ClinVar aggregate classification (germline): Uncertain significance (1 of 4 stars; one submission).

Conditions:
Neuropathy, hereditary sensory and autonomic, type 2A (HSAN2A). Also called: ACROOSTEOLYSIS, GIACCAI TYPE; ACROOSTEOLYSIS, NEUROGENIC; WNK1-Related HSAN2 (HSAN2A); NEUROPATHY, HEREDITARY SENSORY RADICULAR, AUTOSOMAL RECESSIVE; MORVAN DISEASE; NEUROPATHY, CONGENITAL SENSORY. Identifiers: Orphanet 970, MedGen C2752089, MONDO:0024309, OMIM 201300.
Generalized epilepsy with febrile seizures plus, type 7 (GEFSP7). Also called: GEFS+, TYPE 7. Identifiers: Orphanet 36387, MedGen C2751778, MONDO:0013470, OMIM 613863.

Submission:

Labcorp Genetics (formerly Invitae), Labcorp
Classification: Uncertain significance for Neuropathy, hereditary sensory and autonomic, type 2A; Generalized epilepsy with febrile seizures plus, type 7. Last evaluated: 2025-08-17. Review status: criteria provided, single submitter. Criteria: Invitae Variant Classification Sherloc (09022015). Collection method: clinical testing. Allele origin: germline.
Comment: This sequence change replaces methionine, which is neutral and non-polar, with threonine, which is neutral and polar, at codon 1463 of the SCN9A protein (p.Met1463Thr). This variant is not present in population databases (gnomAD no frequency). This variant has not been reported in the literature in individuals affected with SCN9A-related conditions. Invitae Evidence Modeling of protein sequence and biophysical properties (such as structural, functional, and spatial information, amino acid conservation, physicochemical variation, residue mobility, and thermodynamic stability) has been performed for this missense variant. However, the output from this modeling did not meet the statistical confidence thresholds required to predict the impact of this variant on SCN9A protein function. In summary, the available evidence is currently insufficient to determine the role of this variant in disease. Therefore, it has been classified as a Variant of Uncertain Significance.